The following is an entry in ClinVar:

NM_021954.4(GJA3):c.1078C>T (p.Pro360Ser)

Gene: GJA3 (gap junction protein alpha 3; minus strand). Cytogenetic location: 13q12.11.
Variant type: single nucleotide variant.
Coding change: c.1078C>T on transcript NM_021954.4 (MANE Select); coding-DNA position 1078, C replaced by T.
Protein change: p.Pro360Ser; replaces proline 360 with serine.
Molecular consequence: missense variant.
Genome position (GRCh38, 1-based): chr13:20,142,211, G>A on the plus strand (C>T on the coding strand, the complement: GJA3 is on the minus strand). VCF-style: chr13-20142211-G-A. GRCh37 (hg19) VCF-style: chr13-20716350-G-A.
Other names: short protein forms P360S.
Identifiers: ClinVar variation 4803736 (VCV004803736.1).
Genomic context (GRCh38, chr13:20,142,211, plus strand): 5'-TGCCGCTCCCATCCAGCAGCAGGGGCGCCGCGCCCGCCTCAGCCTCGTGCGCGAGTGGCG[G>A]GGAGCTGCTGCCGACGGGGCTGGGGGCTGCAGGCGTGGACGCTGCCGGGTAAGCCTTGAG-3'
Protein context (NP_068773.2, residues 350-370): AAPSPVGSSS[Pro360Ser]PLAHEAEAGA

ClinVar aggregate classification (germline): Uncertain significance (1 of 4 stars; one submission).

Conditions:
Cataract 14 multiple types. Also called: CATARACT 14, ZONULAR PULVERULENT; CATARACT 14, NUCLEAR PULVERULENT; CATARACT 14, NUCLEAR PULVERULENT AND POSTERIOR POLAR; CATARACT 14, NUCLEAR CORALLIFORM; CATARACT 14, EMBRYONAL NUCLEAR; CATARACT 14, COPPOCK-LIKE. Identifiers: Orphanet 91492, MedGen C1866078, MONDO:0011162, OMIM 601885.

Submission:

Labcorp Genetics (formerly Invitae), Labcorp
Classification: Uncertain significance for Cataract 14 multiple types. Last evaluated: 2025-10-09. Review status: criteria provided, single submitter. Criteria: Invitae Variant Classification Sherloc (09022015). Collection method: clinical testing. Allele origin: germline.
Comment: This sequence change replaces proline, which is neutral and non-polar, with serine, which is neutral and polar, at codon 360 of the GJA3 protein (p.Pro360Ser). The frequency data for this variant in the population databases is considered unreliable, as metrics indicate poor data quality at this position in the gnomAD database. This variant has not been reported in the literature in individuals affected with GJA3-related conditions. Invitae Evidence Modeling of protein sequence and biophysical properties (such as structural, functional, and spatial information, amino acid conservation, physicochemical variation, residue mobility, and thermodynamic stability) indicates that this missense variant is not expected to disrupt GJA3 protein function with a negative predictive value of 95%. In summary, the available evidence is currently insufficient to determine the role of this variant in disease. Therefore, it has been classified as a Variant of Uncertain Significance.